The following is an entry in ClinVar:

NM_201596.3(CACNB2):c.1816C>T (p.Arg606Trp)

Gene: CACNB2 (calcium voltage-gated channel auxiliary subunit beta 2; plus strand). Cytogenetic location: 10p12.31.
Variant type: single nucleotide variant.
Coding change: c.1816C>T on transcript NM_201596.3 (MANE Select); coding-DNA position 1816, C replaced by T.
Protein change: p.Arg606Trp; replaces arginine 606 with tryptophan.
Molecular consequence: missense variant.
Genome position (GRCh38, 1-based): chr10:18,539,557, C>T. VCF-style: chr10-18539557-C-T. GRCh37 (hg19) VCF-style: chr10-18828486-C-T.
Other names: p.R551W:CGG>TGG; c.1651C>T, p.Arg551Trp (NM_000724.4); c.1618C>T, p.Arg540Trp (NM_001167945.2); c.1537C>T, p.Arg513Trp (NM_001330060.2); c.1672C>T, p.Arg558Trp (NM_201570.3); c.1732C>T, p.Arg578Trp (NM_201571.4); c.1660C>T, p.Arg554Trp (NM_201572.4); c.1654C>T, p.Arg552Trp (NM_201590.3); and 2 more; short protein forms R551W, R552W, R606W, R513W, R540W, R554W, R568W, R558W.
Identifiers: ClinVar variation 190736 (VCV000190736.18), dbSNP rs61733968, ClinGen allele CA235689.

ClinVar aggregate classification (germline): Conflicting classifications of pathogenicity. Review status: criteria provided, conflicting classifications (1 of 4 stars). 6 submissions from 6 submitters: Uncertain significance (2); Likely benign (4). Last evaluated 2026-07-23.

Conditions:
CACNB2-related disorder. Also called: CACNB2-related condition.
Cardiovascular phenotype. Identifiers: MedGen CN230736.
Brugada syndrome 4 (BRGDA4). Identifiers: Orphanet 130, MedGen C2678477, MONDO:0012743, OMIM 611876.

Allele frequency attached by ClinVar (database versions not stated): TOPMed 0.00013; 1000 Genomes Project 30x 0.00016.
gnomAD v4.1: 213 of 1,613,726 alleles (0.013%); highest among the groups gnomAD compares: East Asian, 0.013%; no homozygotes.

Submissions (6):

GeneDx
Classification: Uncertain significance. Last evaluated: 2026-07-23. Review status: criteria provided, single submitter. Criteria: GeneDx Variant Classification Process June 2021. Collection method: clinical testing. Allele origin: germline.
Comment: Identified in two siblings with autism spectrum disorder and their mother; however detailed clinical information was not provided and at least one individual harbored additional cardiogenetic changes (PMID: 36199823); Variants in candidate genes are classified as variants of uncertain significance in accordance with ACMG guidelines (PMID: 25741868); In silico analysis suggests that this missense variant does not alter protein structure/function; This variant is associated with the following publications: (PMID: 36199823)

Labcorp Genetics (formerly Invitae), Labcorp
Classification: Likely benign for Brugada syndrome 4. Last evaluated: 2025-08-18. Review status: criteria provided, single submitter. Criteria: Invitae Variant Classification Sherloc (09022015). Collection method: clinical testing. Allele origin: germline.

PreventionGenetics, part of Exact Sciences
Classification: Likely benign for CACNB2-related condition. Last evaluated: 2025-07-12. Review status: criteria provided, single submitter. Criteria: ACMG Guidelines, 2015. Collection method: clinical testing. Allele origin: germline.
Comment: This variant is classified as likely benign based on ACMG/AMP sequence variant interpretation guidelines (Richards et al. 2015 PMID: 25741868, with internal and published modifications).

Blueprint Genetics
Classification: Likely benign. Last evaluated: 2024-11-01. Review status: criteria provided, single submitter. Criteria: ACMG Guidelines, 2015. Collection method: clinical testing. Allele origin: germline.

Ambry Genetics
Classification: Likely benign for Cardiovascular phenotype. Last evaluated: 2020-10-05. Review status: criteria provided, single submitter. Criteria: Ambry Variant Classification Scheme 2023. Collection method: clinical testing. Allele origin: germline.

Biesecker Lab/Clinical Genomics Section, National Institutes of Health
Classification: Uncertain significance. Last evaluated: 2013-06-24. Review status: criteria provided, single submitter. Criteria: Ng et al. (Circ Cardiovasc Genet. 2013). Collection method: research. Allele origin: unknown. Observed: 1 variant allele. Study: ClinSeq.
Comment: The study set was not selected for affection status in relation to any cancer. Pathogenicity categories were based on literature curation. See Pubmed ID:23861362 for details.

Medical sequencing

Literature cited by the submitters: PubMed 23861362 (cited by Ambry Genetics).